The following is an entry in ClinVar:

NM_001382430.1(AKT1):c.854A>T (p.Asp285Val)

Gene: AKT1 (AKT serine/threonine kinase 1; minus strand). Cytogenetic location: 14q32.33.
Variant type: single nucleotide variant.
Coding change: c.854A>T on transcript NM_001382430.1 (MANE Select); coding-DNA position 854, A replaced by T.
Protein change: p.Asp285Val; replaces aspartic acid 285 with valine.
Molecular consequence: missense variant.
Genome position (GRCh38, 1-based): chr14:104,773,354, T>A on the plus strand (A>T on the coding strand, the complement: AKT1 is on the minus strand). VCF-style: chr14-104773354-T-A. GRCh37 (hg19) VCF-style: chr14-105239691-T-A.
Other names: c.854A>T, p.Asp285Val (NM_001014431.2, NM_001014432.2, NM_001382431.1 and 3 more transcripts); short protein forms D285V.
Identifiers: ClinVar variation 5005289 (VCV005005289.2).
Genomic context (GRCh38, chr14:104,773,354, plus strand): 5'-GTGGCACCGTCCTTGATCCCCTCCTTGCACAGCCCGAAGTCTGTGATCTTAATGTGCCCG[T>A]CCTTGTCCAGCATGAGGTTCTCCAGCTAGGGGAAAGGTGGCCTCAGGTCAGTGCCGCCAG-3'
Protein context (NP_001369359.1, residues 275-295): LKLENLMLDK[Asp285Val]GHIKITDFGL

ClinVar aggregate classification (germline): Uncertain significance (1 of 4 stars; one submission).

Conditions:
Proteus syndrome. Also called: Hemihypertrophy and macrocephaly; Partial gigantism of hands and feet, nevi, hemihypertrophy, macrocephaly; PROTEUS SYNDROME, SOMATIC; GIGANTISM, PARTIAL, OF HANDS AND FEET, NEVI, HEMIHYPERTROPHY, AND MACROCEPHALY; ELATTOPROTEUS SYNDROME; Macrocephaly mesodermal hamartoma spectrum. Identifiers: Orphanet 744, MedGen C0085261, MONDO:0008318, OMIM 176920. Disease mechanism: loss of function, gain of function.
Cowden syndrome 6 (CWS6). Identifiers: Orphanet 201, MedGen C3554519, MONDO:0014048, OMIM 615109.
Ovarian cancer. Also called: OVARIAN CANCER, SOMATIC. Identifiers: Orphanet 213500, MedGen C1140680, MONDO:0008170, OMIM 167000.
Familial cancer of breast. Also called: BREAST CANCER, FAMILIAL; hereditary breast carcinoma; Hereditary breast cancer. Identifiers: Orphanet 227535, MedGen C0346153, MONDO:0016419, OMIM 114480. Disease mechanism: loss of function.
Colorectal cancer. Also called: Colorectal cancer, somatic; Malignant Colorectal Neoplasm. Identifiers: MedGen C0346629, MONDO:0005575, OMIM 114500.

Submission:

Juno Genomics, Hangzhou Juno Genomics, Inc
Classification: Uncertain significance for Familial cancer of breast; Colorectal cancer; Cowden syndrome 6; Ovarian cancer; Proteus syndrome. Review status: criteria provided, single submitter. Criteria: ACMG Guidelines, 2015. Collection method: clinical testing. Allele origin: germline.
Comment: Absent from controls (or at extremely low frequency if recessive) in Genome Aggregation Database.;Missense variant in a gene that has a low rate of benign missense variation.